The following is an entry in ClinVar:

ClinVar aggregate classification (germline): Pathogenic/Likely pathogenic. Review status: criteria provided, multiple submitters, no conflicts (2 of 4 stars). 5 submissions from 5 submitters: Pathogenic (3); Likely pathogenic (1). 1 of the submissions does not count toward it. Last evaluated 2025-12-08.

Conditions:
C5-related disorders.
Complement component 5 deficiency. Also called: C5 DEFICIENCY. Identifiers: MedGen C0343047, MONDO:0012295, OMIM 609536.
Eculizumab, poor response to. Identifiers: MedGen C3810402, OMIM 615749.

Allele frequency attached by ClinVar (database versions not stated): TOPMed 0.00019; ExAC 0.00007; gnomAD exomes 0.00008; gnomAD 0.00016 and 0.00018.
gnomAD v4.1: 112 of 1,613,830 alleles (0.0069%); highest among the groups gnomAD compares: African/African-American, 0.035%; no homozygotes.

Submissions (5):

Labcorp Genetics (formerly Invitae), Labcorp
Classification: Pathogenic. Last evaluated: 2025-12-08. Review status: criteria provided, single submitter. Criteria: Invitae Variant Classification Sherloc (09022015). Collection method: clinical testing. Allele origin: germline.
Comment: This sequence change creates a premature translational stop signal (p.Arg1476*) in the C5 gene. It is expected to result in an absent or disrupted protein product. Loss-of-function variants in C5 are known to be pathogenic (PMID: 7730648, 19414197, 27026170). This variant is present in population databases (rs121909588, gnomAD 0.05%). This premature translational stop signal has been observed in individual(s) with complement component 5 (C5) deficiency (PMID: 7730648). This variant is also known as p.Arg1458*. ClinVar contains an entry for this variant (Variation ID: 17051). Algorithms developed to predict the effect of sequence changes on RNA splicing suggest that this variant may disrupt the consensus splice site. For these reasons, this variant has been classified as Pathogenic.

Blueprint Genetics
Classification: Likely pathogenic for C5-related disorders. Last evaluated: 2024-03-05. Review status: criteria provided, single submitter. Criteria: ACMG Guidelines, 2015. Collection method: clinical testing. Allele origin: germline. Affected: yes. Observed: 4 variant alleles.

Fulgent Genetics
Classification: Pathogenic for Complement component 5 deficiency; Eculizumab, poor response to. Last evaluated: 2022-04-26. Review status: criteria provided, single submitter. Criteria: ACMG Guidelines, 2015. Collection method: clinical testing. Allele origin: unknown.

Baylor Genetics
Classification: Pathogenic for Complement component 5 deficiency. Last evaluated: 2019-02-07. Review status: criteria provided, single submitter. Criteria: ACMG Guidelines, 2015. Collection method: clinical testing. Allele origin: de novo. Affected: yes.
Comment: This variant was determined to be pathogenic according to ACMG Guidelines, 2015 [PMID:25741868].

OMIM
Classification: Pathogenic for COMPLEMENT COMPONENT 5 DEFICIENCY. Last evaluated: 1995-05-15. Review status: no assertion criteria provided. Collection method: literature only. Allele origin: germline. Not counted in ClinVar's aggregate classification.

Literature cited by the submitters: PubMed 7730648 (cited by Labcorp Genetics (formerly Invitae), Labcorp and OMIM); PubMed 19414197 (cited by Labcorp Genetics (formerly Invitae), Labcorp); PubMed 27026170 (cited by Labcorp Genetics (formerly Invitae), Labcorp).

NM_001735.3(C5):c.4426C>T (p.Arg1476Ter)

Gene: C5 (complement C5; minus strand). Cytogenetic location: 9q33.2.
Variant type: single nucleotide variant.
Coding change: c.4426C>T on transcript NM_001735.3 (MANE Select); coding-DNA position 4426, C replaced by T.
Protein change: p.Arg1476Ter; replaces arginine 1476 with a stop codon.
Molecular consequence: nonsense.
Genome position (GRCh38, 1-based): chr9:120,962,749, G>A on the plus strand (C>T on the coding strand, the complement: C5 is on the minus strand). VCF-style: chr9-120962749-G-A. GRCh37 (hg19) VCF-style: chr9-123725027-G-A.
Other names: C5, ARG1458TER; R1458*; c.4444C>T, p.Arg1482Ter (NM_001317163.2); short protein forms R1476*, R1482*.
Identifiers: ClinVar variation 17051 (VCV000017051.11), dbSNP rs121909588, ClinGen allele CA127054.